The following is an entry in ClinVar:

ClinVar aggregate classification (germline): Conflicting classifications of pathogenicity. Review status: criteria provided, conflicting classifications (1 of 4 stars). 5 submissions from 5 submitters: Uncertain significance (2); Benign (1); Likely benign (2). Last evaluated 2025-05-27.

Conditions:
Cardiomyopathy (CMYO). Also called: Cardiomyopathies. Identifiers: Orphanet 167848, MedGen C0878544, MONDO:0004994, HP:0001638. Inheritance: Various modes of inheritance.
Hypertrophic cardiomyopathy. Also called: HYPERTROPHIC MYOCARDIOPATHY. Identifiers: Orphanet 217569, MedGen C0007194, MeSH D002312, MONDO:0005045, HP:0001639.

Submissions (5):

Color Diagnostics, LLC DBA Color Health
Classification: Likely benign for Cardiomyopathy. Last evaluated: 2025-05-27. Review status: criteria provided, single submitter. Criteria: ACMG Guidelines, 2015. Collection method: clinical testing. Allele origin: germline.

Molecular Diagnostic Laboratory for Inherited Cardiovascular Disease, Montreal Heart Institute
Classification: Likely benign. Last evaluated: 2025-04-09. Review status: criteria provided, single submitter. Criteria: ACMG Guidelines, 2015. Collection method: clinical testing. Allele origin: germline. Affected: no.

Labcorp Genetics (formerly Invitae), Labcorp
Classification: Benign for Hypertrophic cardiomyopathy. Last evaluated: 2025-03-13. Review status: criteria provided, single submitter. Criteria: Invitae Variant Classification Sherloc (09022015). Collection method: clinical testing. Allele origin: germline.

All of Us Research Program, National Institutes of Health
Classification: Uncertain significance for Cardiomyopathy. Last evaluated: 2023-08-15. Review status: criteria provided, single submitter. Criteria: ACMG Guidelines, 2015. Collection method: clinical testing. Allele origin: germline. Inheritance: Autosomal dominant inheritance. Observed: 3 variant alleles, 3 heterozygotes.
Comment: This variant causes a deletion of one nucleotide in intron 21 of the MYH7 gene. To our knowledge, functional studies have not been reported for this variant. This variant has not been reported in individuals affected with MYH7-related disorders in the literature. This variant has been identified in 2/282704 chromosomes in the general population by the Genome Aggregation Database (gnomAD). The available evidence is insufficient to determine the role of this variant in disease conclusively. Therefore, this variant is classified as a Variant of Uncertain Significance.

This study involves interpretation of variants in research participants for the purpose of population health screening. Participant phenotype was not available at the time of variant classification. Additional details can be found in publication PMID: 35346344, PMCID: PMC8962531

GeneDx
Classification: Uncertain significance. Last evaluated: 2023-03-16. Review status: criteria provided, single submitter. Criteria: GeneDx Variant Classification Process June 2021. Collection method: clinical testing. Allele origin: germline. Affected: yes.
Comment: Has not been previously published as pathogenic or benign to our knowledge; Not observed at significant frequency in large population cohorts (gnomAD); In silico analysis is inconclusive as to whether the variant alters gene splicing. In the absence of RNA/functional studies, the actual effect of this sequence change is unknown.

NM_000257.4(MYH7):c.2424-6del

Genes: MYH7 (myosin heavy chain 7; minus strand), LOC126861898 (BRD4-independent group 4 enhancer GRCh37_chr14:23893609-23894808; plus strand). Cytogenetic location: 14q11.2.
Variant type: Deletion.
Coding change: c.2424-6del on transcript NM_000257.4 (MANE Select); 6 bases into the intron before coding-DNA position 2424, one base deleted (C; older notation c.2424-6delC).
Molecular consequence: intron variant.
Genome position (GRCh38, 1-based): chr14:23,425,030, G deleted on the plus strand (C on the coding strand, the reverse complement: MYH7 is on the minus strand); the first of 4 consecutive G bases (chr14:23,425,030-23,425,033); deleting any one gives the same sequence. VCF-style (leftmost placement, unchanged base first): chr14-23425029-AG-A. GRCh37 (hg19) VCF-style: chr14-23894238-AG-A.
Identifiers: ClinVar variation 919032 (VCV000919032.14), dbSNP rs748311799, ClinGen allele CA032852.